The following is an entry in ClinVar:

ClinVar aggregate classification (germline): Benign. Review status: criteria provided, multiple submitters, no conflicts (2 of 4 stars). 3 submissions from 3 submitters: Benign (3). Last evaluated 2018-11-12.

Allele frequency attached by ClinVar (database versions not stated): ESP Exome Variant Server 0.51423; gnomAD exomes 0.51745 and 0.57383; gnomAD 0.54057 and 0.54750; TOPMed 0.54724; ExAC 0.56690; 1000 Genomes Project 30x 0.61524; 1000 Genomes Project 0.62240.
gnomAD v4.1: 839,474 of 1,611,212 alleles (52%); highest among the groups gnomAD compares: East Asian, 68%; 223,285 homozygotes.

Submissions (3):

GeneDx
Classification: Benign. Last evaluated: 2018-11-12. Review status: criteria provided, single submitter. Criteria: GeneDx Variant Classification Process June 2021. Collection method: clinical testing. Allele origin: germline. Affected: yes.

Laboratory for Molecular Medicine, Mass General Brigham Personalized Medicine
Classification: Benign. Last evaluated: 2016-03-28. Review status: criteria provided, single submitter. Criteria: LMM Criteria. Collection method: clinical testing. Allele origin: germline.
Comment: Variant identified in a genome or exome case(s) and assessed due to predicted null impact of the variant or pathogenic assertions in the literature or databases. Disclaimer: This variant has not undergone full assessment. The following are preliminary notes: Frequency

Breakthrough Genomics
Classification: Benign. Review status: criteria provided, single submitter. Criteria: ACMG Guidelines, 2015. Collection method: not provided. Allele origin: germline. Inheritance: Unknown mechanism. Affected: yes.

NM_002422.5(MMP3):c.1086T>C (p.Ala362=)

Gene: MMP3 (matrix metallopeptidase 3; minus strand). Cytogenetic location: 11q22.2.
Variant type: single nucleotide variant.
Coding change: c.1086T>C on transcript NM_002422.5 (MANE Select); coding-DNA position 1086, T replaced by C.
Protein change: p.Ala362=; no amino-acid change (alanine 362 retained).
Molecular consequence: synonymous variant.
Genome position (GRCh38, 1-based): chr11:102,838,694, A>G on the plus strand (T>C on the coding strand, the complement: MMP3 is on the minus strand). VCF-style: chr11-102838694-A-G. GRCh37 (hg19) VCF-style: chr11-102709425-A-G.
Other names: NM_002422.3:c.1086T>C; p.Ala362Ala.
Identifiers: ClinVar variation 403094 (VCV000403094.6), dbSNP rs520540, ClinGen allele CA6250886.